The following is an entry in ClinVar:

NM_001204.7(BMPR2):c.907C>G (p.Arg303Gly)

Gene: BMPR2 (bone morphogenetic protein receptor type 2; plus strand). Cytogenetic location: 2q33.2.
Variant type: single nucleotide variant.
Coding change: c.907C>G on transcript NM_001204.7 (MANE Select); coding-DNA position 907, C replaced by G.
Protein change: p.Arg303Gly; replaces arginine 303 with glycine.
Molecular consequence: missense variant.
Genome position (GRCh38, 1-based): chr2:202,520,141, C>G. VCF-style: chr2-202520141-C-G. GRCh37 (hg19) VCF-style: chr2-203384864-C-G.
Other names: short protein forms R303G.
Identifiers: ClinVar variation 4867621 (VCV004867621.1).

ClinVar aggregate classification (germline): Uncertain significance (1 of 4 stars; one submission).

Conditions:
Inborn genetic diseases. Identifiers: MedGen C0950123, MeSH D030342.

Submission:

Ambry Genetics
Classification: Uncertain significance for Inborn genetic diseases. Last evaluated: 2026-05-02. Review status: criteria provided, single submitter. Criteria: Ambry Variant Classification Scheme 2023. Collection method: clinical testing. Allele origin: germline.
Comment: The p.R303G variant (also known as c.907C>G), located in coding exon 7 of the BMPR2 gene, results from a C to G substitution at nucleotide position 907. The arginine at codon 303 is replaced by glycine, an amino acid with dissimilar properties. This amino acid position is conserved. In addition, this alteration is predicted to be deleterious by in silico analysis. Based on the available evidence, the clinical significance of this variant remains unclear.